The following is an entry in ClinVar:

NM_015650.4(TRAF3IP1):c.763G>A (p.Gly255Arg)

Gene: TRAF3IP1 (TRAF3 interacting protein 1; plus strand). Cytogenetic location: 2q37.3.
Variant type: single nucleotide variant.
Coding change: c.763G>A on transcript NM_015650.4 (MANE Select); coding-DNA position 763, G replaced by A.
Protein change: p.Gly255Arg; replaces glycine 255 with arginine.
Molecular consequence: missense variant.
Genome position (GRCh38, 1-based): chr2:238,329,190, G>A. VCF-style: chr2-238329190-G-A. GRCh37 (hg19) VCF-style: chr2-239237831-G-A.
Other names: c.763G>A, p.Gly255Arg (NM_001139490.1); short protein forms G255R.
Identifiers: ClinVar variation 2116651 (VCV002116651.4), dbSNP rs995140471, ClinGen allele CA351245651.

ClinVar aggregate classification (germline): Uncertain significance (1 of 4 stars; one submission).

gnomAD v4.1: 2 of 1,567,926 alleles (0.00013%); highest among the groups gnomAD compares: South Asian, 0.0012%; no homozygotes.

Submission:

Labcorp Genetics (formerly Invitae), Labcorp
Classification: Uncertain significance. Last evaluated: 2022-03-25. Review status: criteria provided, single submitter. Criteria: Invitae Variant Classification Sherloc (09022015). Collection method: clinical testing. Allele origin: germline.
Comment: Algorithms developed to predict the effect of missense changes on protein structure and function are either unavailable or do not agree on the potential impact of this missense change (SIFT: "Tolerated"; PolyPhen-2: "Probably Damaging"; Align-GVGD: "Class C0"). This variant has not been reported in the literature in individuals affected with TRAF3IP1-related conditions. This variant is not present in population databases (gnomAD no frequency). This sequence change replaces glycine, which is neutral and non-polar, with arginine, which is basic and polar, at codon 255 of the TRAF3IP1 protein (p.Gly255Arg). In summary, the available evidence is currently insufficient to determine the role of this variant in disease. Therefore, it has been classified as a Variant of Uncertain Significance.